The following is an entry in ClinVar:

ClinVar aggregate classification (germline): Pathogenic (1 of 4 stars; one submission).

Submission:

Quest Diagnostics Nichols Institute San Juan Capistrano
Classification: Pathogenic. Last evaluated: 2025-06-02. Review status: criteria provided, single submitter. Criteria: Quest Diagnostics criteria. Collection method: clinical testing. Allele origin: unknown.
Comment: A deletion of exons 3-4 (c.-80_210) in the TSC1 gene is predicted to maintain the translation reading frame of the TSC1 mRNA, however, it removes a portion of the gene important for its structure or function. To the best of our knowledge, a deletion of exons 3-4 in the TSC1 gene has not been reported in the published literature. It also has not been reported in large, multi-ethnic general populations (Genome Aggregation Database). Based on the available information, this variant is classified as pathogenic.

Single allele

Gene: TSC1 (TSC complex subunit 1; minus strand). Cytogenetic location: 9q34.13.
Variant type: Deletion.
Identifiers: ClinVar variation 4533180 (VCV004533180.1).